The following is an entry in ClinVar:

NM_006846.4(SPINK5):c.602+1G>C

Gene: SPINK5 (serine peptidase inhibitor Kazal type 5; plus strand). Cytogenetic location: 5q32.
Variant type: single nucleotide variant.
Coding change: c.602+1G>C on transcript NM_006846.4 (MANE Select); the canonical splice donor site of the intron after coding-DNA position 602, G replaced by C.
Molecular consequence: splice donor variant.
Genome position (GRCh38, 1-based): chr5:148,089,622, G>C. VCF-style: chr5-148089622-G-C. GRCh37 (hg19) VCF-style: chr5-147469185-G-C.
Other names: c.602+1G>C (NM_001127698.2, NM_001127699.2).
Identifiers: ClinVar variation 4720227 (VCV004720227.1).

ClinVar aggregate classification (germline): Likely pathogenic (1 of 4 stars; one submission).

Conditions:
Ichthyosis linearis circumflexa. Identifiers: MedGen C0265962, MONDO:0043106, HP:0025810.

gnomAD v4.1: 1 of 1,611,734 alleles (0.000062%); no homozygotes.

Submission:

Labcorp Genetics (formerly Invitae), Labcorp
Classification: Likely pathogenic for Ichthyosis linearis circumflexa. Last evaluated: 2025-10-13. Review status: criteria provided, single submitter. Criteria: Invitae Variant Classification Sherloc (09022015). Collection method: clinical testing. Allele origin: germline.
Comment: This sequence change affects a donor splice site in intron 7 of the SPINK5 gene. It is expected to disrupt RNA splicing. Variants that disrupt the donor or acceptor splice site typically lead to a loss of protein function (PMID: 16199547), and loss-of-function variants in SPINK5 are known to be pathogenic (PMID: 11511292, 11841556). This variant is not present in population databases (gnomAD no frequency). This variant has not been reported in the literature in individuals affected with SPINK5-related conditions. Algorithms developed to predict the effect of sequence changes on RNA splicing suggest that this variant may disrupt the consensus splice site. In summary, the currently available evidence indicates that the variant is pathogenic, but additional data are needed to prove that conclusively. Therefore, this variant has been classified as Likely Pathogenic.

Literature cited by the submitters: PubMed 16199547; PubMed 11511292; PubMed 11841556.